The following is an entry in ClinVar:

NM_005732.4(RAD50):c.379G>T (p.Val127Phe)

Gene: RAD50 (RAD50 double strand break repair protein; plus strand). Cytogenetic location: 5q31.1.
Variant type: single nucleotide variant.
Coding change: c.379G>T on transcript NM_005732.4 (MANE Select); coding-DNA position 379, G replaced by T.
Protein change: p.Val127Phe; replaces valine 127 with phenylalanine.
Molecular consequence: missense variant.
Genome position (GRCh38, 1-based): chr5:132,579,330, G>T. VCF-style: chr5-132579330-G-T. GRCh37 (hg19) VCF-style: chr5-131915022-G-T.
Other names: short protein forms V127F.
Identifiers: ClinVar variation 3224986 (VCV003224986.1), dbSNP rs28903086, ClinGen allele CA360933360.

ClinVar aggregate classification (germline): Uncertain significance (1 of 4 stars; one submission).

Conditions:
Hereditary cancer-predisposing syndrome. Also called: Neoplastic Syndromes, Hereditary; Tumor predisposition; Hereditary neoplastic syndrome; Hereditary Cancer Syndrome. Identifiers: Orphanet 140162, MedGen C0027672, MeSH D009386, MONDO:0015356.

Submission:

Ambry Genetics
Classification: Uncertain significance for Hereditary cancer-predisposing syndrome. Last evaluated: 2023-11-09. Review status: criteria provided, single submitter. Criteria: Ambry Variant Classification Scheme 2023. Collection method: clinical testing. Allele origin: germline.
Comment: The p.V127F variant (also known as c.379G>T), located in coding exon 4 of the RAD50 gene, results from a G to T substitution at nucleotide position 379. The valine at codon 127 is replaced by phenylalanine, an amino acid with highly similar properties. This amino acid position is conserved. In addition, the in silico prediction for this alteration is inconclusive. Since supporting evidence is limited at this time, the clinical significance of this alteration remains unclear.